The following is an entry in ClinVar:

ClinVar aggregate classification (germline): Uncertain significance (1 of 4 stars; one submission).

Submission:

Labcorp Genetics (formerly Invitae), Labcorp
Classification: Uncertain significance. Last evaluated: 2022-04-12. Review status: criteria provided, single submitter. Criteria: Invitae Variant Classification Sherloc (09022015). Collection method: clinical testing. Allele origin: germline.
Comment: In summary, the available evidence is currently insufficient to determine the role of this variant in disease. Therefore, it has been classified as a Variant of Uncertain Significance. Algorithms developed to predict the effect of missense changes on protein structure and function are either unavailable or do not agree on the potential impact of this missense change (SIFT: "Deleterious"; PolyPhen-2: "Possibly Damaging"; Align-GVGD: "Class C0"). This variant has not been reported in the literature in individuals affected with ZNF341-related conditions. This variant is not present in population databases (gnomAD no frequency). This sequence change replaces glutamine, which is neutral and polar, with histidine, which is basic and polar, at codon 241 of the ZNF341 protein (p.Gln241His).

NM_001282933.2(ZNF341):c.723G>C (p.Gln241His)

Gene: ZNF341 (zinc finger protein 341; plus strand). Cytogenetic location: 20q11.22.
Variant type: single nucleotide variant.
Coding change: c.723G>C on transcript NM_001282933.2 (MANE Select); coding-DNA position 723, G replaced by C.
Protein change: p.Gln241His; replaces glutamine 241 with histidine.
Molecular consequence: missense variant. On other transcripts: non-coding transcript variant (1).
Genome position (GRCh38, 1-based): chr20:33,753,405, G>C. VCF-style: chr20-33753405-G-C. GRCh37 (hg19) VCF-style: chr20-32341211-G-C.
Other names: c.453G>C, p.Gln151His (NM_001282935.2); c.723G>C, p.Gln241His (NM_032819.5); short protein forms Q241H, Q151H.
Identifiers: ClinVar variation 2125791 (VCV002125791.4), dbSNP rs2515465177, ClinGen allele CA408650134.